The following is an entry in ClinVar:

NM_001371986.1(UNC80):c.9017G>T (p.Arg3006Leu)

Gene: UNC80 (unc-80 homolog, NALCN channel complex subunit; plus strand). Cytogenetic location: 2q34.
Variant type: single nucleotide variant.
Coding change: c.9017G>T on transcript NM_001371986.1 (MANE Select); coding-DNA position 9017, G replaced by T.
Protein change: p.Arg3006Leu; replaces arginine 3006 with leucine.
Molecular consequence: missense variant.
Genome position (GRCh38, 1-based): chr2:209,978,607, G>T. VCF-style: chr2-209978607-G-T. GRCh37 (hg19) VCF-style: chr2-210843331-G-T.
Other names: c.8819G>T, p.Arg2940Leu (NM_032504.2); c.8804G>T, p.Arg2935Leu (NM_182587.4); short protein forms R2935L, R2940L, R3006L.
Identifiers: ClinVar variation 1390769 (VCV001390769.5), dbSNP rs371059292, ClinGen allele CA64659334.
Genomic context (GRCh38, chr2:209,978,607, plus strand): 5'-CCATCAGTACCGTGGGCACCTCCACCTCTGCTTACCGCCTGAGCTTGGCCACCATGTCCC[G>T]CTCTAACACGGGCACGGGCACTGTCTGGGAGCAGGACAGTGAGCCATCCCAGCAGGCTTC-3'
Protein context (NP_001358915.1, residues 2996-3016): AYRLSLATMS[Arg3006Leu]SNTGTGTVWE

ClinVar aggregate classification (germline): Uncertain significance (1 of 4 stars; one submission).

gnomAD v4.1: 2 of 1,551,424 alleles (0.00013%); highest among the groups gnomAD compares: Non-Finnish European, 0.00017%; no homozygotes.

Submission:

Labcorp Genetics (formerly Invitae), Labcorp
Classification: Uncertain significance. Last evaluated: 2022-11-01. Review status: criteria provided, single submitter. Criteria: Invitae Variant Classification Sherloc (09022015). Collection method: clinical testing. Allele origin: germline.
Comment: In summary, the available evidence is currently insufficient to determine the role of this variant in disease. Therefore, it has been classified as a Variant of Uncertain Significance. Advanced modeling of protein sequence and biophysical properties (such as structural, functional, and spatial information, amino acid conservation, physicochemical variation, residue mobility, and thermodynamic stability) performed at Invitae indicates that this missense variant is not expected to disrupt UNC80 protein function. ClinVar contains an entry for this variant (Variation ID: 1390769). This variant has not been reported in the literature in individuals affected with UNC80-related conditions. This variant is present in population databases (rs371059292, gnomAD 0.004%). This sequence change replaces arginine with leucine at codon 2940 of the UNC80 protein (p.Arg2940Leu). The arginine residue is moderately conserved and there is a moderate physicochemical difference between arginine and leucine.